The following is an entry in ClinVar:

ClinVar aggregate classification (germline): Pathogenic (1 of 4 stars; one submission).

Conditions:
Hypermethioninemia with deficiency of S-adenosylhomocysteine hydrolase. Identifiers: Orphanet 88618, MedGen C3151058, MONDO:0013404, OMIM 613752.

Submission:

Labcorp Genetics (formerly Invitae), Labcorp
Classification: Pathogenic for Hypermethioninemia with deficiency of S-adenosylhomocysteine hydrolase. Last evaluated: 2022-06-26. Review status: criteria provided, single submitter. Criteria: Invitae Variant Classification Sherloc (09022015). Collection method: clinical testing. Allele origin: germline.
Comment: This sequence change creates a premature translational stop signal (p.Ile295Leufs*25) in the AHCY gene. It is expected to result in an absent or disrupted protein product. Loss-of-function variants in AHCY are known to be pathogenic (PMID: 15024124, 20852937). This variant is not present in population databases (gnomAD no frequency). This variant has not been reported in the literature in individuals affected with AHCY-related conditions. For these reasons, this variant has been classified as Pathogenic.

Literature cited by the submitters: PubMed 15024124; PubMed 20852937.

NM_000687.4(AHCY):c.882del (p.Ile295fs)

Gene: AHCY (adenosylhomocysteinase; minus strand). Cytogenetic location: 20q11.22.
Variant type: Deletion.
Coding change: c.882del on transcript NM_000687.4 (MANE Select); coding-DNA position 882, one base deleted (C; older notation c.882delC).
Protein change: p.Ile295fs; shifts the reading frame from isoleucine 295.
Molecular consequence: frameshift variant.
Genome position (GRCh38, 1-based): chr20:34,290,422, G deleted on the plus strand (C on the coding strand, the reverse complement: AHCY is on the minus strand); the first of 2 consecutive G bases (chr20:34,290,422-34,290,423); deleting either gives the same sequence. VCF-style (leftmost placement, unchanged base first): chr20-34290421-TG-T. GRCh37 (hg19) VCF-style: chr20-32878227-TG-T.
Other names: c.798del, p.Ile267fs (NM_001161766.2, NM_001322084.2, NM_001322085.2); c.888del, p.Ile297fs (NM_001322086.2); c.882del, p.Ile295fs (NM_001362750.2); short protein forms I295fs, I297fs, I267fs.
Identifiers: ClinVar variation 2011118 (VCV002011118.4), dbSNP rs2515172714, ClinGen allele CA2580098097.